The following is an entry in ClinVar:

ClinVar aggregate classification (germline): Uncertain significance (1 of 4 stars; one submission).

Conditions:
Familial cancer of breast. Also called: BREAST CANCER, FAMILIAL; Hereditary breast cancer; hereditary breast carcinoma. Identifiers: Orphanet 227535, MedGen C0346153, MONDO:0016419, OMIM 114480. Disease mechanism: loss of function.

Submission:

Labcorp Genetics (formerly Invitae), Labcorp
Classification: Uncertain significance for Familial cancer of breast. Last evaluated: 2018-11-21. Review status: criteria provided, single submitter. Criteria: Invitae Variant Classification Sherloc (09022015). Collection method: clinical testing. Allele origin: germline.
Comment: This sequence change replaces isoleucine with phenylalanine at codon 285 of the CHEK2 protein (p.Ile285Phe). The isoleucine residue is moderately conserved and there is a small physicochemical difference between isoleucine and phenylalanine. This variant is not present in population databases (ExAC no frequency). This variant has been observed in an individual undergoing Lynch syndrome genetic testing (PMID: 25980754). ClinVar contains an entry for this variant (Variation ID: 530076). Algorithms developed to predict the effect of missense changes on protein structure and function do not agree on the potential impact of this missense change (SIFT: "Deleterious"; PolyPhen-2: "Probably Damaging"; Align-GVGD: "Class C0"). In summary, the available evidence is currently insufficient to determine the role of this variant in disease. Therefore, it has been classified as a Variant of Uncertain Significance.

Literature cited by the submitters: PubMed 25980754.

NM_007194.4(CHEK2):c.853A>T (p.Ile285Phe)

Gene: CHEK2 (checkpoint kinase 2; minus strand). Cytogenetic location: 22q12.1.
Variant type: single nucleotide variant.
Coding change: c.853A>T on transcript NM_007194.4 (MANE Select); coding-DNA position 853, A replaced by T.
Protein change: p.Ile285Phe; replaces isoleucine 285 with phenylalanine.
Molecular consequence: missense variant.
Genome position (GRCh38, 1-based): chr22:28,703,560, T>A on the plus strand (A>T on the coding strand, the complement: CHEK2 is on the minus strand). VCF-style: chr22-28703560-T-A. GRCh37 (hg19) VCF-style: chr22-29099548-T-A.
Other names: c.982A>T, p.Ile328Phe (NM_001005735.3); c.190A>T, p.Ile64Phe (NM_001257387.3); c.652A>T, p.Ile218Phe (NM_001349956.3); c.853A>T, p.Ile285Phe (NM_145862.3); short protein forms I285F, I218F, I328F, I64F.
Identifiers: ClinVar variation 530076 (VCV000530076.9), dbSNP rs1555917027, ClinGen allele CA411101334.